The following is an entry in ClinVar:

ClinVar aggregate classification (germline): Uncertain significance. Review status: criteria provided, multiple submitters, no conflicts (2 of 4 stars). 2 submissions from 2 submitters: Uncertain significance (2). Last evaluated 2024-01-29.

gnomAD v4.1: 34 of 1,202,791 alleles (0.0028%); highest among the groups gnomAD compares: Non-Finnish European, 0.0037%; no homozygotes.

Submissions (2):

Blueprint Genetics
Classification: Uncertain significance. Last evaluated: 2024-01-29. Review status: criteria provided, single submitter. Criteria: ACMG Guidelines, 2015. Collection method: clinical testing. Allele origin: germline.

GeneDx
Classification: Uncertain significance. Last evaluated: 2023-11-10. Review status: criteria provided, single submitter. Criteria: GeneDx Variant Classification Process June 2021. Collection method: clinical testing. Allele origin: germline. Affected: yes.
Comment: Not observed at significant frequency in large population cohorts (gnomAD); In silico analysis supports that this missense variant does not alter protein structure/function; Has not been previously published as pathogenic or benign to our knowledge

NM_003611.3(OFD1):c.979G>A (p.Ala327Thr)

Gene: OFD1 (OFD1 centriole and centriolar satellite protein; plus strand). Cytogenetic location: Xp22.2.
Variant type: single nucleotide variant.
Coding change: c.979G>A on transcript NM_003611.3 (MANE Select); coding-DNA position 979, G replaced by A.
Protein change: p.Ala327Thr; replaces alanine 327 with threonine.
Molecular consequence: missense variant. On other transcripts: intron variant (1).
Genome position (GRCh38, 1-based): chrX:13,751,292, G>A. VCF-style: chrX-13751292-G-A. GRCh37 (hg19) VCF-style: chrX-13769411-G-A.
Other names: c.559G>A, p.Ala187Thr (NM_001330210.2); c.935+1759G>A (NM_001330209.2); short protein forms A187T, A327T.
Identifiers: ClinVar variation 3342510 (VCV003342510.2).
Genomic context (GRCh38, chrX:13,751,292, plus strand): 5'-ATTTTTGTTAATTTCAGGAACCAGAAGCTCCAGGAAGAAAAACATAAAAGCATAACTGAG[G>A]CACTTAGGAGACAGGAGCAGAATATAAAGAGTTTTGAGGAGACCTATGACCGAAAGCTCA-3'
Protein context (NP_003602.1, residues 317-337): QEEKHKSITE[Ala327Thr]LRRQEQNIKS